The following is an entry in ClinVar:

ClinVar aggregate classification (germline): Likely benign. Review status: criteria provided, multiple submitters, no conflicts (2 of 4 stars). 2 submissions from 2 submitters: Likely benign (2). Last evaluated 2026-04-01.

Conditions:
46,XY sex reversal 9 (SRXY9). Also called: 46,XY SEX REVERSAL, ZFPM2-RELATED. Identifiers: Orphanet 251510, MedGen C4015129, MONDO:0014480, OMIM 616067.

Allele frequency attached by ClinVar (database versions not stated): ExAC 0.00002; gnomAD exomes 0.00006 and 0.00020; 1000 Genomes Project 0.00040; TOPMed 0.00057; gnomAD 0.00058 and 0.00060; 1000 Genomes Project 30x 0.00062.
gnomAD v4.1: 177 of 1,610,132 alleles (0.011%); highest among the groups gnomAD compares: Admixed American, 0.29%; 2 homozygotes.

Submissions (2):

CeGaT Center for Human Genetics Tuebingen
Classification: Likely benign. Last evaluated: 2026-04-01. Review status: criteria provided, single submitter. Criteria: CeGaT Center For Human Genetics Tuebingen Variant Classification Criteria Version 2. Collection method: clinical testing. Allele origin: germline. Affected: yes. Observed: 1 variant allele.
Comment: ZFPM2: BP4, BS1

Labcorp Genetics (formerly Invitae), Labcorp
Classification: Likely benign for 46,XY sex reversal 9. Last evaluated: 2024-06-13. Review status: criteria provided, single submitter. Criteria: Invitae Variant Classification Sherloc (09022015). Collection method: clinical testing. Allele origin: germline.

NM_012082.4(ZFPM2):c.3268G>A (p.Val1090Ile)

Genes: ZFPM2 (zinc finger protein, FOG family member 2; plus strand), ZFPM2-AS1 (ZFPM2 antisense RNA 1; minus strand), LOC126860469 (BRD4-independent group 4 enhancer GRCh37_chr8:106814445-106815644; plus strand). Cytogenetic location: 8q23.1.
Variant type: single nucleotide variant.
Coding change: c.3268G>A on transcript NM_012082.4 (MANE Select); coding-DNA position 3268, G replaced by A.
Protein change: p.Val1090Ile; replaces valine 1090 with isoleucine.
Molecular consequence: missense variant.
Genome position (GRCh38, 1-based): chr8:105,803,350, G>A. VCF-style: chr8-105803350-G-A. GRCh37 (hg19) VCF-style: chr8-106815578-G-A.
Other names: c.3109G>A, p.Val1037Ile (NM_001362836.2); c.2872G>A, p.Val958Ile (NM_001362837.2); short protein forms V1037I, V1090I, V958I.
Identifiers: ClinVar variation 1120606 (VCV001120606.11), dbSNP rs191385674, ClinGen allele CA4840042.